The following is an entry in ClinVar:

NM_007118.4(TRIO):c.7293C>T (p.Asp2431=)

Gene: TRIO (trio Rho guanine nucleotide exchange factor; plus strand). Cytogenetic location: 5p15.2.
Variant type: single nucleotide variant.
Coding change: c.7293C>T on transcript NM_007118.4 (MANE Select); coding-DNA position 7293, C replaced by T.
Protein change: p.Asp2431=; no amino-acid change (aspartic acid 2431 retained).
Molecular consequence: synonymous variant.
Genome position (GRCh38, 1-based): chr5:14,487,921, C>T. VCF-style: chr5-14487921-C-T. GRCh37 (hg19) VCF-style: chr5-14488030-C-T.
Identifiers: ClinVar variation 3388270 (VCV003388270.14).
Genomic context (GRCh38, chr5:14,487,921, plus strand): 5'-GATGAAGGTGCTGGAGAGCCCCAGGAAAGGCGCCGCGAACGCCTCGGGGTCGAGCCCAGA[C>T]GCCCCCGCCAAGGACGCGCGCGCTAGCCTGGGCACCCTGCCGCTTGGGAAGCCCCGGGCC-3'
Protein context (NP_009049.2, residues 2421-2441): GAANASGSSP[Asp2431=]APAKDARASL

ClinVar aggregate classification (germline): Likely benign (1 of 4 stars; one submission).

gnomAD v4.1: 20 of 1,538,600 alleles (0.0013%); highest among the groups gnomAD compares: Middle Eastern, 0.094%; no homozygotes.

Submission:

CeGaT Center for Human Genetics Tuebingen
Classification: Likely benign. Last evaluated: 2026-07-01. Review status: criteria provided, single submitter. Criteria: CeGaT Center For Human Genetics Tuebingen Variant Classification Criteria Version 2. Collection method: clinical testing. Allele origin: germline. Affected: yes. Observed: 2 variant alleles.
Comment: TRIO: BP4, BP7